The following is an entry in ClinVar:

NM_002528.7(NTHL1):c.537A>T (p.Lys179Asn)

Gene: NTHL1 (nth like DNA glycosylase 1; minus strand). Cytogenetic location: 16p13.3.
Variant type: single nucleotide variant.
Coding change: c.537A>T on transcript NM_002528.7 (MANE Select); coding-DNA position 537, A replaced by T.
Protein change: p.Lys179Asn; replaces lysine 179 with asparagine.
Molecular consequence: missense variant.
Genome position (GRCh38, 1-based): chr16:2,043,715, T>A on the plus strand (A>T on the coding strand, the complement: NTHL1 is on the minus strand). VCF-style: chr16-2043715-T-A. GRCh37 (hg19) VCF-style: chr16-2093716-T-A.
Other names: c.366A>T, p.Lys122Asn (NM_001318193.2); c.207A>T, p.Lys69Asn (NM_001318194.2); short protein forms K179N, K69N, K122N.
Identifiers: ClinVar variation 5025916 (VCV005025916.1).

ClinVar aggregate classification (germline): Uncertain significance (1 of 4 stars; one submission).

Conditions:
Hereditary cancer-predisposing syndrome. Also called: Neoplastic Syndromes, Hereditary; Tumor predisposition; Hereditary neoplastic syndrome; Hereditary Cancer Syndrome. Identifiers: Orphanet 140162, MedGen C0027672, MeSH D009386, MONDO:0015356.

Submission:

Ambry Genetics
Classification: Uncertain significance for Hereditary cancer-predisposing syndrome. Last evaluated: 2026-07-21. Review status: criteria provided, single submitter. Criteria: Ambry Variant Classification Scheme 2023. Collection method: clinical testing. Allele origin: germline.
Comment: The p.K187N variant (also known as c.561A>T), located in coding exon 4 of the NTHL1 gene, results from an A to T substitution at nucleotide position 561. The lysine at codon 187 is replaced by asparagine, an amino acid with similar properties. This amino acid position is conserved. In addition, the in silico prediction for this alteration is inconclusive. Based on the available evidence, the clinical significance of this variant remains unclear.